The following is an entry in ClinVar:

NM_003638.3(ITGA8):c.1502A>G (p.Asn501Ser)

Gene: ITGA8 (integrin subunit alpha 8; minus strand). Cytogenetic location: 10p13.
Variant type: single nucleotide variant.
Coding change: c.1502A>G on transcript NM_003638.3 (MANE Select); coding-DNA position 1502, A replaced by G.
Protein change: p.Asn501Ser; replaces asparagine 501 with serine.
Molecular consequence: missense variant.
Genome position (GRCh38, 1-based): chr10:15,613,711, T>C on the plus strand (A>G on the coding strand, the complement: ITGA8 is on the minus strand). VCF-style: chr10-15613711-T-C. GRCh37 (hg19) VCF-style: chr10-15655710-T-C.
Other names: c.1457A>G, p.Asn486Ser (NM_001291494.2); short protein forms N501S, N486S.
Identifiers: ClinVar variation 2067992 (VCV002067992.1), dbSNP rs148700186, ClinGen allele CA5420195.

ClinVar aggregate classification (germline): Uncertain significance (1 of 4 stars; one submission).

Allele frequency attached by ClinVar (database versions not stated): gnomAD exomes 0.00011; ExAC 0.00018; gnomAD 0.00040; ESP Exome Variant Server 0.00046; TOPMed 0.00047; 1000 Genomes Project 0.00060; 1000 Genomes Project 30x 0.00062.
gnomAD v4.1: 217 of 1,614,124 alleles (0.013%); highest among the groups gnomAD compares: African/African-American, 0.12%; no homozygotes.

Submission:

Labcorp Genetics (formerly Invitae), Labcorp
Classification: Uncertain significance. Last evaluated: 2022-10-13. Review status: criteria provided, single submitter. Criteria: Invitae Variant Classification Sherloc (09022015). Collection method: clinical testing. Allele origin: germline.
Comment: This sequence change replaces asparagine, which is neutral and polar, with serine, which is neutral and polar, at codon 501 of the ITGA8 protein (p.Asn501Ser). This variant is present in population databases (rs148700186, gnomAD 0.1%). This variant has not been reported in the literature in individuals affected with ITGA8-related conditions. Algorithms developed to predict the effect of missense changes on protein structure and function (SIFT, PolyPhen-2, Align-GVGD) all suggest that this variant is likely to be disruptive. In summary, the available evidence is currently insufficient to determine the role of this variant in disease. Therefore, it has been classified as a Variant of Uncertain Significance.